The following is an entry in ClinVar:

ClinVar aggregate classification (germline): Likely pathogenic (1 of 4 stars; one submission).

gnomAD v4.1: 1 of 1,546,144 alleles (0.000065%); highest among the groups gnomAD compares: East Asian, 0.0024%; no homozygotes.

Submission:

Labcorp Genetics (formerly Invitae), Labcorp
Classification: Likely pathogenic. Last evaluated: 2021-07-14. Review status: criteria provided, single submitter. Criteria: Invitae Variant Classification Sherloc (09022015). Collection method: clinical testing. Allele origin: germline.
Comment: In summary, the currently available evidence indicates that the variant is pathogenic, but additional data are needed to prove that conclusively. Therefore, this variant has been classified as Likely Pathogenic. Algorithms developed to predict the effect of sequence changes on RNA splicing suggest that this variant may disrupt the consensus splice site. Disruption of this splice site has been observed in individual(s) with deafness (PMID: 31980526). This variant is not present in population databases (ExAC no frequency). This sequence change affects an acceptor splice site in intron 4 of the LOXHD1 gene. It is expected to disrupt RNA splicing. Variants that disrupt the donor or acceptor splice site typically lead to a loss of protein function (PMID: 16199547), and loss-of-function variants in LOXHD1 are known to be pathogenic (PMID: 19732867, 21465660, 25792669).

Literature cited by the submitters: PubMed 31980526; PubMed 16199547; PubMed 19732867; PubMed 21465660; PubMed 25792669.

NM_001384474.1(LOXHD1):c.512-2A>C

Gene: LOXHD1 (lipoxygenase homology PLAT domains 1; minus strand). Cytogenetic location: 18q21.1.
Variant type: single nucleotide variant.
Coding change: c.512-2A>C on transcript NM_001384474.1 (MANE Select); the canonical splice acceptor site of the intron before coding-DNA position 512, A replaced by C.
Molecular consequence: splice acceptor variant.
Genome position (GRCh38, 1-based): chr18:46,618,292, T>G on the plus strand (A>C on the coding strand, the complement: LOXHD1 is on the minus strand). VCF-style: chr18-46618292-T-G. GRCh37 (hg19) VCF-style: chr18-44198255-T-G.
Other names: c.512-2A>C (NM_144612.7).
Identifiers: ClinVar variation 1490718 (VCV001490718.6), dbSNP rs1201905882, ClinGen allele CA402367618.